The following is an entry in ClinVar:

ClinVar aggregate classification (germline): Uncertain significance. Review status: criteria provided, multiple submitters, no conflicts (2 of 4 stars). 3 submissions from 3 submitters: Uncertain significance (3). Last evaluated 2025-06-22.

Conditions:
BAP1-related tumor predisposition syndrome (TPDS1). Also called: BAP1 tumor predisposition syndrome; TUMOR PREDISPOSITION SYNDROME 1; Tumor susceptibility linked to germline BAP1 mutations; COMMON Syndrome. Identifiers: Orphanet 289539, MedGen C3280492, MONDO:0013692, OMIM 614327.
Hereditary cancer-predisposing syndrome. Also called: Neoplastic Syndromes, Hereditary; Tumor predisposition; Hereditary neoplastic syndrome; Hereditary Cancer Syndrome. Identifiers: Orphanet 140162, MedGen C0027672, MeSH D009386, MONDO:0015356.

gnomAD v4.1: 1 of 1,612,952 alleles (0.000062%); highest among the groups gnomAD compares: Middle Eastern, 0.02%; no homozygotes.

Submissions (3):

Labcorp Genetics (formerly Invitae), Labcorp
Classification: Uncertain significance for BAP1-related tumor predisposition syndrome. Last evaluated: 2025-06-22. Review status: criteria provided, single submitter. Criteria: Invitae Variant Classification Sherloc (09022015). Collection method: clinical testing. Allele origin: germline.
Comment: This sequence change falls in intron 10 of the BAP1 gene. It does not directly change the encoded amino acid sequence of the BAP1 protein. It affects a nucleotide within the consensus splice site. This variant is not present in population databases (gnomAD no frequency). This variant has not been reported in the literature in individuals affected with BAP1-related conditions. ClinVar contains an entry for this variant (Variation ID: 579300). Variants that disrupt the consensus splice site are a relatively common cause of aberrant splicing (PMID: 17576681, 9536098). Algorithms developed to predict the effect of sequence changes on RNA splicing suggest that this variant is not likely to affect RNA splicing. In summary, the available evidence is currently insufficient to determine the role of this variant in disease. Therefore, it has been classified as a Variant of Uncertain Significance.

Center for Genomic Medicine, Rigshospitalet, Copenhagen University Hospital
Classification: Uncertain significance. Last evaluated: 2025-03-04. Review status: criteria provided, single submitter. Criteria: ACMG Guidelines, 2015. Collection method: clinical testing. Allele origin: germline.

Ambry Genetics
Classification: Uncertain significance for Hereditary cancer-predisposing syndrome. Last evaluated: 2025-02-19. Review status: criteria provided, single submitter. Criteria: Ambry Variant Classification Scheme 2023. Collection method: clinical testing. Allele origin: germline.
Comment: The c.931+4C>G intronic variant results from a C to G substitution 4 nucleotides after coding exon 10 in the BAP1 gene. This nucleotide position is well conserved in available vertebrate species. In silico splice site analysis predicts that this alteration will not have any significant effect on splicing. Based on the available evidence, the clinical significance of this variant remains unclear.

Literature cited by the submitters: PubMed 17576681 (cited by Labcorp Genetics (formerly Invitae), Labcorp); PubMed 9536098 (cited by Labcorp Genetics (formerly Invitae), Labcorp).

NM_004656.4(BAP1):c.931+4C>G

Gene: BAP1 (BRCA1 associated deubiquitinase 1; minus strand). Cytogenetic location: 3p21.1.
Variant type: single nucleotide variant.
Coding change: c.931+4C>G on transcript NM_004656.4 (MANE Select); 4 bases into the intron after coding-DNA position 931, C replaced by G.
Molecular consequence: intron variant.
Genome position (GRCh38, 1-based): chr3:52,405,761, G>C on the plus strand (C>G on the coding strand, the complement: BAP1 is on the minus strand). VCF-style: chr3-52405761-G-C. GRCh37 (hg19) VCF-style: chr3-52439777-G-C.
Other names: c.931+4C>G (NM_004656.2).
Identifiers: ClinVar variation 579300 (VCV000579300.8), dbSNP rs1559589067, ClinGen allele CA891842662.
Genomic context (GRCh38, chr3:52,405,761, plus strand): 5'-CCTCCCATGTCAGACATTAGCGGGTGGCTCTGAGGTCCACAAGAGGTCCCAAACCCCCCA[G>C]TACCTGTGTGGTTGCCCTCAGAGGCTGCAGGGGCCCTGTTTGCTTCCAGCACCAGCGGGG-3'